The following is an entry in ClinVar:

NM_000059.4(BRCA2):c.110C>T (p.Ser37Leu)

Gene: BRCA2 (BRCA2 DNA repair associated; plus strand). Cytogenetic location: 13q13.1.
Variant type: single nucleotide variant.
Coding change: c.110C>T on transcript NM_000059.4 (MANE Select); coding-DNA position 110, C replaced by T.
Protein change: p.Ser37Leu; replaces serine 37 with leucine.
Molecular consequence: missense variant.
Genome position (GRCh38, 1-based): chr13:32,319,119, C>T. VCF-style: chr13-32319119-C-T. GRCh37 (hg19) VCF-style: chr13-32893256-C-T.
Other names: short protein forms S37L.
Identifiers: ClinVar variation 822182 (VCV000822182.6), dbSNP rs886040346, ClinGen allele CA387754186.

ClinVar aggregate classification (germline): Uncertain significance. Review status: criteria provided, multiple submitters, no conflicts (2 of 4 stars). 2 submissions from 2 submitters: Uncertain significance (2). Last evaluated 2025-09-19.

Conditions:
Hereditary cancer-predisposing syndrome. Also called: Tumor predisposition; Hereditary Cancer Syndrome; Neoplastic Syndromes, Hereditary; Hereditary neoplastic syndrome. Identifiers: Orphanet 140162, MedGen C0027672, MeSH D009386, MONDO:0015356.

Allele frequency attached by ClinVar (database versions not stated): gnomAD exomes below 0.00001.
gnomAD v4.1: 1 of 1,613,358 alleles (0.000062%); highest among the groups gnomAD compares: South Asian, 0.0011%; no homozygotes.

Submissions (2):

Ambry Genetics
Classification: Uncertain significance for Hereditary cancer-predisposing syndrome. Last evaluated: 2025-09-19. Review status: criteria provided, single submitter. Criteria: Ambry Variant Classification Scheme 2023. Collection method: clinical testing. Allele origin: germline.
Comment: The p.S37L variant (also known as c.110C>T), located in coding exon 2 of the BRCA2 gene, results from a C to T substitution at nucleotide position 110. The serine at codon 37 is replaced by leucine, an amino acid with dissimilar properties. This amino acid position is not well conserved in available vertebrate species. In addition, this alteration is predicted to be tolerated by in silico analysis. Since supporting evidence is limited at this time, the clinical significance of this alteration remains unclear.

Color Diagnostics, LLC DBA Color Health
Classification: Uncertain significance for Hereditary cancer-predisposing syndrome. Last evaluated: 2024-02-13. Review status: criteria provided, single submitter. Criteria: ACMG Guidelines, 2015. Collection method: clinical testing. Allele origin: germline.
Comment: This missense variant replaces serine with leucine at codon 37 of the BRCA2 protein. Computational prediction suggests that this variant may not impact protein structure and function. To our knowledge, functional studies have not been reported for this variant. This variant has not been reported in individuals affected with BRCA2-related disorders in the literature. This variant has not been identified in the general population by the Genome Aggregation Database (gnomAD). The available evidence is insufficient to determine the role of this variant in disease conclusively. Therefore, this variant is classified as a Variant of Uncertain Significance.